The following is an entry in ClinVar:

NM_012062.5(DNM1L):c.1340G>C (p.Ser447Thr)

Gene: DNM1L (dynamin 1 like; plus strand). Cytogenetic location: 12p11.21.
Variant type: single nucleotide variant.
Coding change: c.1340G>C on transcript NM_012062.5 (MANE Select); coding-DNA position 1340, G replaced by C.
Protein change: p.Ser447Thr; replaces serine 447 with threonine.
Molecular consequence: missense variant.
Genome position (GRCh38, 1-based): chr12:32,731,495, G>C. VCF-style: chr12-32731495-G-C. GRCh37 (hg19) VCF-style: chr12-32884429-G-C.
Other names: c.1340G>C, p.Ser447Thr (NM_001278463.2, NM_005690.5, NM_012063.4); c.1379G>C, p.Ser460Thr (NM_001278464.2, NM_001278465.2, NM_001330380.2); c.731G>C, p.Ser244Thr (NM_001278466.2); short protein forms S244T, S460T, S447T.
Identifiers: ClinVar variation 1941046 (VCV001941046.5), dbSNP rs756107898, ClinGen allele CA6507502.
Genomic context (GRCh38, chr12:32,731,495, plus strand): 5'-CCAGCCTCCGCTGTGTGGAACTGGTTCATGAGGAAATGCAAAGGATCATTCAGCACTGTA[G>C]CAATTACAGTACACAGGTAACGGAGAGAAATGTAACAGGTTTCACATGAACTAGAAAAGG-3'
Protein context (NP_036192.2, residues 437-457): EEMQRIIQHC[Ser447Thr]NYSTQELLRF

ClinVar aggregate classification (germline): Uncertain significance (1 of 4 stars; one submission).

Allele frequency attached by ClinVar (database versions not stated): TOPMed below 0.00001; ExAC 0.00001; gnomAD exomes 0.00001.
gnomAD v4.1: 3 of 1,614,090 alleles (0.00019%); highest among the groups gnomAD compares: Admixed American, 0.005%; no homozygotes.

Submission:

Labcorp Genetics (formerly Invitae), Labcorp
Classification: Uncertain significance. Last evaluated: 2022-08-30. Review status: criteria provided, single submitter. Criteria: Invitae Variant Classification Sherloc (09022015). Collection method: clinical testing. Allele origin: germline.
Comment: In summary, the available evidence is currently insufficient to determine the role of this variant in disease. Therefore, it has been classified as a Variant of Uncertain Significance. Algorithms developed to predict the effect of missense changes on protein structure and function (SIFT, PolyPhen-2, Align-GVGD) all suggest that this variant is likely to be tolerated. This variant has not been reported in the literature in individuals affected with DNM1L-related conditions. This variant is present in population databases (rs756107898, gnomAD 0.009%). This sequence change replaces serine, which is neutral and polar, with threonine, which is neutral and polar, at codon 447 of the DNM1L protein (p.Ser447Thr).